The following is an entry in ClinVar:

NM_001367624.2(ZNF469):c.6398A>G (p.Glu2133Gly)

Gene: ZNF469 (zinc finger protein 469; plus strand). Cytogenetic location: 16q24.2.
Variant type: single nucleotide variant.
Coding change: c.6398A>G on transcript NM_001367624.2 (MANE Select); coding-DNA position 6398, A replaced by G.
Protein change: p.Glu2133Gly; replaces glutamic acid 2133 with glycine.
Molecular consequence: missense variant.
Genome position (GRCh38, 1-based): chr16:88,433,868, A>G. VCF-style: chr16-88433868-A-G. GRCh37 (hg19) VCF-style: chr16-88500276-A-G.
Other names: NM_001127464.1:c.6314A>G; short protein forms E2133G.
Identifiers: ClinVar variation 1752810 (VCV001752810.2), dbSNP rs2507593345, ClinGen allele CA397105698.

ClinVar aggregate classification (germline): Uncertain significance (1 of 4 stars; one submission).

Conditions:
Cardiovascular phenotype. Identifiers: MedGen CN230736.

Submission:

Ambry Genetics
Classification: Uncertain significance for Cardiovascular phenotype. Last evaluated: 2021-08-22. Review status: criteria provided, single submitter. Criteria: Ambry Variant Classification Scheme 2023. Collection method: clinical testing. Allele origin: germline.
Comment: The p.E2105G variant (also known as c.6314A>G), located in coding exon 2 of the ZNF469 gene, results from an A to G substitution at nucleotide position 6314. The glutamic acid at codon 2105 is replaced by glycine, an amino acid with similar properties. This amino acid position is conserved. In addition, this alteration is predicted to be tolerated by in silico analysis. Since supporting evidence is limited at this time, the clinical significance of this alteration remains unclear.